The following is an entry in ClinVar:

NM_001369.3(DNAH5):c.13443G>A (p.Trp4481Ter)

Gene: DNAH5 (dynein axonemal heavy chain 5; minus strand). Cytogenetic location: 5p15.2.
Variant type: single nucleotide variant.
Coding change: c.13443G>A on transcript NM_001369.3 (MANE Select); coding-DNA position 13443, G replaced by A.
Protein change: p.Trp4481Ter; replaces tryptophan 4481 with a stop codon.
Molecular consequence: nonsense.
Genome position (GRCh38, 1-based): chr5:13,701,332, C>T on the plus strand (G>A on the coding strand, the complement: DNAH5 is on the minus strand). VCF-style: chr5-13701332-C-T. GRCh37 (hg19) VCF-style: chr5-13701441-C-T.
Other names: short protein forms W4481*.
Identifiers: ClinVar variation 941715 (VCV000941715.12), dbSNP rs1742088018, ClinGen allele CA359192583.

ClinVar aggregate classification (germline): Pathogenic/Likely pathogenic. Review status: criteria provided, multiple submitters, no conflicts (2 of 4 stars). 4 submissions from 4 submitters: Pathogenic (2); Likely pathogenic (2). Last evaluated 2024-11-04.

Conditions:
Primary ciliary dyskinesia. Also called: Ciliary dyskinesia. Identifiers: Orphanet 244, MedGen C0008780, MONDO:0016575, HP:0012265.
Primary ciliary dyskinesia 3. Identifiers: Orphanet 244, MedGen C1837618, MONDO:0012085, OMIM 608644.

Allele frequency attached by ClinVar (database versions not stated): TOPMed 0.00001.

Submissions (4):

ARUP Laboratories, Molecular Genetics and Genomics, ARUP Laboratories
Classification: Likely pathogenic for Primary ciliary dyskinesia 3. Last evaluated: 2024-11-04. Review status: criteria provided, single submitter. Criteria: ARUP Molecular Germline Variant Investigation Process 2024. Collection method: clinical testing. Allele origin: germline.
Comment: The DNAH5 c.13443G>A; p.Trp4481Ter variant (rs1742088018), to our knowledge, is not reported in the medical literature but is reported in ClinVar (Variation ID: 941715). This variant is absent from the Genome Aggregation Database (v2.1.1), indicating it is not a common polymorphism. This variant induces an early termination codon and is predicted to result in a truncated protein or mRNA subject to nonsense-mediated decay. Similar truncating alleles in DNAH5 have been identified in individuals with primary ciliary dyskinesia (Hornef 2006). Based on available information, this variant is considered to be likely pathogenic. References: Hornef N et al. DNAH5 mutations are a common cause of primary ciliary dyskinesia with outer dynein arm defects. Am J Respir Crit Care Med. 2006 Jul 15;174(2):120-6. PMID: 16627867

Natera, Inc.
Classification: Likely pathogenic for Primary ciliary dyskinesia. Last evaluated: 2024-04-20. Review status: criteria provided, single submitter. Criteria: Natera Variant Classification Schema (03/2026). Collection method: clinical testing. Allele origin: germline.
Comment: The c.13443G>A variant in DNAH5 is a nonsense variant predicted to introduce a stop codon at amino acid 4481. This variant is expected to result in nonsense mediated decay, truncation, or a dysfunctional protein product. This variant is rare in the general population with a frequency below the threshold expected for the associated phenotype(s). Given the available evidence, this variant is classified as Likely Pathogenic.

Labcorp Genetics (formerly Invitae), Labcorp
Classification: Pathogenic for Primary ciliary dyskinesia. Last evaluated: 2024-02-26. Review status: criteria provided, single submitter. Criteria: Invitae Variant Classification Sherloc (09022015). Collection method: clinical testing. Allele origin: germline.
Comment: This sequence change creates a premature translational stop signal (p.Trp4481*) in the DNAH5 gene. It is expected to result in an absent or disrupted protein product. Loss-of-function variants in DNAH5 are known to be pathogenic (PMID: 11788826, 16627867). This variant is not present in population databases (gnomAD no frequency). This variant has not been reported in the literature in individuals affected with DNAH5-related conditions. ClinVar contains an entry for this variant (Variation ID: 941715). For these reasons, this variant has been classified as Pathogenic.

GeneDx
Classification: Pathogenic. Last evaluated: 2022-06-23. Review status: criteria provided, single submitter. Criteria: GeneDx Variant Classification Process June 2021. Collection method: clinical testing. Allele origin: germline. Affected: yes.
Comment: Has not been previously reported in peer-reviewed literature as pathogenic or benign to our knowledge. However, in an abstract by Corpus et al. (2022), the variant was identified with 3 additional DNAH5 variants in a patient with persistent asthma, chronic cough and nasal congestion, and diffuse bronchiectasis.; Nonsense variant predicted to result in protein truncation or nonsense mediated decay in a gene for which loss-of-function is a known mechanism of disease; Not observed in large population cohorts (gnomAD); This variant is associated with the following publications: (PMID: Corpus2022[Abstract])

Literature cited by the submitters: PubMed 11788826 (cited by Labcorp Genetics (formerly Invitae), Labcorp); PubMed 16627867 (cited by Labcorp Genetics (formerly Invitae), Labcorp).